The following is an entry in ClinVar:

NM_032520.5(GNPTG):c.157del (p.Arg53fs)

Gene: GNPTG (N-acetylglucosamine-1-phosphate transferase subunit gamma; plus strand). Cytogenetic location: 16p13.3.
Variant type: Deletion.
Coding change: c.157del on transcript NM_032520.5 (MANE Select); coding-DNA position 157, one base deleted (A; older notation c.157delA).
Protein change: p.Arg53fs; shifts the reading frame from arginine 53.
Molecular consequence: frameshift variant.
Genome position (GRCh38, 1-based): chr16:1,352,285, A deleted. VCF-style (leftmost placement, unchanged base first): chr16-1352284-GA-G. GRCh37 (hg19) VCF-style: chr16-1402285-GA-G.
Other names: short protein forms R53fs.
Identifiers: ClinVar variation 5038232 (VCV005038232.1).

ClinVar aggregate classification (germline): Pathogenic (1 of 4 stars; one submission).

Conditions:
GNPTG-mucolipidosis. Also called: MUCOLIPIDOSIS III, COMPLEMENTATION GROUP C; MUCOLIPIDOSIS III, IRANIAN VARIANT FORM; MUCOLIPIDOSIS III, VARIANT FORM; ML III GAMMA; ML IIIC; Mucolipidosis type III gamma. Identifiers: Orphanet 423470, Orphanet 577, MedGen C1854896, MONDO:0009652, OMIM 252605.

Submission:

MVZ Medizinische Genetik Mainz
Classification: Pathogenic for GNPTG-mucolipidosis. Last evaluated: 2023-09-07. Review status: criteria provided, single submitter. Criteria: UK Practice Guidelines For Variant Classification V4 01 2020. Collection method: clinical testing. Allele origin: germline. Inheritance: Autosomal recessive inheritance. Affected: yes. Observed: 1 variant allele.
Comment: ACMG Criteria: PVS1,PM2_SUP,PM3_SUP; Compound Heterozygote